The following is an entry in ClinVar:

NM_002017.5(FLI1):c.231-6C>T

Gene: FLI1 (Fli-1 proto-oncogene, ETS transcription factor; plus strand). Cytogenetic location: 11q24.3.
Variant type: single nucleotide variant.
Coding change: c.231-6C>T on transcript NM_002017.5 (MANE Select); 6 bases into the intron before coding-DNA position 231, C replaced by T.
Molecular consequence: intron variant.
Genome position (GRCh38, 1-based): chr11:128,768,112, C>T. VCF-style: chr11-128768112-C-T. GRCh37 (hg19) VCF-style: chr11-128638007-C-T.
Other names: c.132-6C>T (NM_001440370.1, NM_001440371.1, NM_001440369.1 and 1 more transcripts); c.10+9786C>T (NM_001271012.2); c.33-6C>T (NM_001271010.2); c.231-6C>T (NM_001440372.1).
Identifiers: ClinVar variation 4882712 (VCV004882712.2).

ClinVar aggregate classification (germline): Uncertain significance (1 of 4 stars; one submission).

Submission:

Dasa
Classification: Uncertain significance. Last evaluated: 2024-06-13. Review status: criteria provided, single submitter. Criteria: DASA Assertion Criteria. Collection method: clinical testing. Allele origin: germline.
Comment: NM_002017.5(FLI1):c.231-6C>T is a splice-region variant. This variant is rare in population databases. Computational prediction algorithms are consistent with a benign effect. The currently available literature and clinical evidence are not sufficient to establish a definitive association between this variant and the reported condition. Therefore, this variant is classified as a variant of uncertain significance.